The following is an entry in ClinVar:

NM_182972.3(IRF2BP2):c.875G>A (p.Gly292Glu)

Gene: IRF2BP2 (interferon regulatory factor 2 binding protein 2; minus strand). Cytogenetic location: 1q42.3.
Variant type: single nucleotide variant.
Coding change: c.875G>A on transcript NM_182972.3 (MANE Select); coding-DNA position 875, G replaced by A.
Protein change: p.Gly292Glu; replaces glycine 292 with glutamic acid.
Molecular consequence: missense variant.
Genome position (GRCh38, 1-based): chr1:234,608,620, C>T on the plus strand (G>A on the coding strand, the complement: IRF2BP2 is on the minus strand). VCF-style: chr1-234608620-C-T. GRCh37 (hg19) VCF-style: chr1-234744366-C-T.
Other names: c.875G>A, p.Gly292Glu (NM_001077397.1); short protein forms G292E.
Identifiers: ClinVar variation 1444093 (VCV001444093.8), dbSNP rs778815968, ClinGen allele CA1461747.

ClinVar aggregate classification (germline): Uncertain significance (1 of 4 stars; one submission).

Allele frequency attached by ClinVar (database versions not stated): TOPMed 0.00001.

Submission:

Labcorp Genetics (formerly Invitae), Labcorp
Classification: Uncertain significance. Last evaluated: 2024-03-27. Review status: criteria provided, single submitter. Criteria: Invitae Variant Classification Sherloc (09022015). Collection method: clinical testing. Allele origin: germline.
Comment: This sequence change replaces glycine, which is neutral and non-polar, with glutamic acid, which is acidic and polar, at codon 292 of the IRF2BP2 protein (p.Gly292Glu). This variant is not present in population databases (gnomAD no frequency). This variant has not been reported in the literature in individuals affected with IRF2BP2-related conditions. ClinVar contains an entry for this variant (Variation ID: 1444093). An algorithm developed to predict the effect of missense changes on protein structure and function (PolyPhen-2) suggests that this variant is likely to be tolerated. In summary, the available evidence is currently insufficient to determine the role of this variant in disease. Therefore, it has been classified as a Variant of Uncertain Significance.